The following is an entry in ClinVar:

NM_001148.6(ANK2):c.2591C>T (p.Pro864Leu)

Gene: ANK2 (ankyrin 2; plus strand). Cytogenetic location: 4q26.
Variant type: single nucleotide variant.
Coding change: c.2591C>T on transcript NM_001148.6 (MANE Select); coding-DNA position 2591, C replaced by T.
Protein change: p.Pro864Leu; replaces proline 864 with leucine.
Molecular consequence: missense variant.
Genome position (GRCh38, 1-based): chr4:113,311,297, C>T. VCF-style: chr4-113311297-C-T. GRCh37 (hg19) VCF-style: chr4-114232453-C-T.
Other names: c.2591C>T, p.Pro864Leu (NM_001354225.2, NM_001354228.2, NM_001354232.2 and 6 more transcripts); c.2636C>T, p.Pro879Leu (NM_001354230.2, NM_001354231.2, NM_001354237.2 and 5 more transcripts); c.2528C>T, p.Pro843Leu (NM_001354239.2, NM_001354254.2, NM_001354255.2 and 10 more transcripts); c.2429C>T, p.Pro810Leu (NM_001354257.2, NM_001386156.1, NM_001354253.2 and 1 more transcripts); c.2405C>T, p.Pro802Leu (NM_001354260.2, NM_001354271.2, NM_001386151.1); c.2549C>T, p.Pro850Leu (NM_001354261.2, NM_001386160.1, NM_001386147.1); c.2504C>T, p.Pro835Leu (NM_001354264.2, NM_001354276.2, NM_001386142.1 and 10 more transcripts); c.2306C>T, p.Pro769Leu (NM_001354277.2, NM_001386157.1); and 9 more; short protein forms P736L, P73L, P769L, P794L, P798L, P802L, P810L, P831L.
Identifiers: ClinVar variation 1721378 (VCV001721378.5), dbSNP rs1359675325, ClinGen allele CA357926981.

ClinVar aggregate classification (germline): Uncertain significance (1 of 4 stars; one submission).

Conditions:
Long QT syndrome (LQTS). Identifiers: MedGen C0023976, MeSH D008133, MONDO:0002442. Disease mechanism: loss of function. Inheritance: Various modes of inheritance.

Allele frequency attached by ClinVar (database versions not stated): TOPMed below 0.00001; gnomAD 0.00001.
gnomAD v4.1: 1 of 1,613,986 alleles (0.000062%); highest among the groups gnomAD compares: Non-Finnish European, 0.000085%; no homozygotes.

Submission:

Labcorp Genetics (formerly Invitae), Labcorp
Classification: Uncertain significance for Long QT syndrome. Last evaluated: 2022-10-10. Review status: criteria provided, single submitter. Criteria: Invitae Variant Classification Sherloc (09022015). Collection method: clinical testing. Allele origin: germline.
Comment: In summary, the available evidence is currently insufficient to determine the role of this variant in disease. Therefore, it has been classified as a Variant of Uncertain Significance. Algorithms developed to predict the effect of missense changes on protein structure and function (SIFT, PolyPhen-2, Align-GVGD) all suggest that this variant is likely to be tolerated. This variant has not been reported in the literature in individuals affected with ANK2-related conditions. This variant is not present in population databases (gnomAD no frequency). This sequence change replaces proline, which is neutral and non-polar, with leucine, which is neutral and non-polar, at codon 864 of the ANK2 protein (p.Pro864Leu).